The following is an entry in ClinVar:

NM_001130144.3(LTBP3):c.3866C>T (p.Ala1289Val)

Gene: LTBP3 (latent transforming growth factor beta binding protein 3; minus strand). Cytogenetic location: 11q13.1.
Variant type: single nucleotide variant.
Coding change: c.3866C>T on transcript NM_001130144.3 (MANE Select); coding-DNA position 3866, C replaced by T.
Protein change: p.Ala1289Val; replaces alanine 1289 with valine.
Molecular consequence: missense variant.
Genome position (GRCh38, 1-based): chr11:65,539,126, G>A on the plus strand (C>T on the coding strand, the complement: LTBP3 is on the minus strand). VCF-style: chr11-65539126-G-A. GRCh37 (hg19) VCF-style: chr11-65306597-G-A.
Other names: c.3374C>T, p.Ala1125Val (NM_001164266.1); c.3725C>T, p.Ala1242Val (NM_021070.4); short protein forms A1289V, A1242V, A1125V.
Identifiers: ClinVar variation 1735643 (VCV001735643.7), dbSNP rs767889601, ClinGen allele CA6100171.

ClinVar aggregate classification (germline): Uncertain significance. Review status: criteria provided, multiple submitters, no conflicts (2 of 4 stars). 2 submissions from 2 submitters: Uncertain significance (2). Last evaluated 2025-12-14.

Conditions:
Inborn genetic diseases. Identifiers: MedGen C0950123, MeSH D030342.
Brachyolmia-amelogenesis imperfecta syndrome. Also called: Tooth agenesis, selective, 6; Dental anomalies and short stature; PLATYSPONDYLY WITH AMELOGENESIS IMPERFECTA. Identifiers: Orphanet 2899, MedGen C1832594, MONDO:0011018, OMIM 601216. Disease mechanism: loss of function.

Allele frequency attached by ClinVar (database versions not stated): TOPMed 0.00003.
gnomAD v4.1: 11 of 1,479,572 alleles (0.00074%); highest among the groups gnomAD compares: East Asian, 0.028%; no homozygotes.

Submissions (2):

Labcorp Genetics (formerly Invitae), Labcorp
Classification: Uncertain significance for Brachyolmia-amelogenesis imperfecta syndrome. Last evaluated: 2025-12-14. Review status: criteria provided, single submitter. Criteria: Invitae Variant Classification Sherloc (09022015). Collection method: clinical testing. Allele origin: germline.
Comment: This sequence change replaces alanine, which is neutral and non-polar, with valine, which is neutral and non-polar, at codon 1289 of the LTBP3 protein (p.Ala1289Val). The frequency data for this variant in the population databases is considered unreliable, as metrics indicate poor data quality at this position in the gnomAD database. This variant has not been reported in the literature in individuals affected with LTBP3-related conditions. ClinVar contains an entry for this variant (Variation ID: 1735643). An algorithm developed to predict the effect of missense changes on protein structure and function outputs the following: PolyPhen-2: "Benign". The valine amino acid residue is found in multiple mammalian species, which suggests that this missense change does not adversely affect protein function. In summary, the available evidence is currently insufficient to determine the role of this variant in disease. Therefore, it has been classified as a Variant of Uncertain Significance.

Ambry Genetics
Classification: Uncertain significance for Inborn genetic diseases. Last evaluated: 2023-04-05. Review status: criteria provided, single submitter. Criteria: Ambry Variant Classification Scheme 2023. Collection method: clinical testing. Allele origin: germline.